The following is an entry in ClinVar:

ClinVar aggregate classification (germline): Uncertain significance (1 of 4 stars; one submission).

Submission:

Labcorp Genetics (formerly Invitae), Labcorp
Classification: Uncertain significance. Last evaluated: 2025-12-24. Review status: criteria provided, single submitter. Criteria: Invitae Variant Classification Sherloc (09022015). Collection method: clinical testing. Allele origin: germline.
Comment: This sequence change replaces lysine, which is basic and polar, with arginine, which is basic and polar, at codon 1073 of the SORL1 protein (p.Lys1073Arg). This variant is not present in population databases (gnomAD no frequency). This variant has not been reported in the literature in individuals affected with SORL1-related conditions. An algorithm developed to predict the effect of missense changes on protein structure and function (PolyPhen-2) suggests that this variant is likely to be tolerated. In summary, the available evidence is currently insufficient to determine the role of this variant in disease. Therefore, it has been classified as a Variant of Uncertain Significance.

NM_003105.6(SORL1):c.3218A>G (p.Lys1073Arg)

Gene: SORL1 (sortilin related receptor 1; plus strand). Cytogenetic location: 11q24.1.
Variant type: single nucleotide variant.
Coding change: c.3218A>G on transcript NM_003105.6 (MANE Select); coding-DNA position 3218, A replaced by G.
Protein change: p.Lys1073Arg; replaces lysine 1073 with arginine.
Molecular consequence: missense variant.
Genome position (GRCh38, 1-based): chr11:121,567,108, A>G. VCF-style: chr11-121567108-A-G. GRCh37 (hg19) VCF-style: chr11-121437817-A-G.
Other names: short protein forms K1073R.
Identifiers: ClinVar variation 4774834 (VCV004774834.1).